The following is an entry in ClinVar:

NM_030962.4(SBF2):c.1907del (p.Pro636fs)

Genes: SBF2 (SET binding factor 2; minus strand), LOC101928008 (uncharacterized LOC101928008; plus strand). Cytogenetic location: 11p15.4.
Variant type: Deletion.
Coding change: c.1907del on transcript NM_030962.4 (MANE Select); coding-DNA position 1907, one base deleted (C; older notation c.1907delC).
Protein change: p.Pro636fs; shifts the reading frame from proline 636.
Molecular consequence: frameshift variant.
Genome position (GRCh38, 1-based): chr11:9,895,965, G deleted on the plus strand (C on the coding strand, the reverse complement: SBF2 is on the minus strand); the first of 3 consecutive G bases (chr11:9,895,965-9,895,967); deleting any one gives the same sequence. VCF-style (leftmost placement, unchanged base first): chr11-9895964-AG-A. GRCh37 (hg19) VCF-style: chr11-9917511-AG-A.
Other names: c.1907del, p.Pro636fs (NM_001386339.1); c.1778del, p.Pro593fs (NM_001386342.1); c.1943del, p.Pro648fs (NM_001424318.1, NM_001425069.1, NM_001425070.1); short protein forms P593fs, P636fs, P648fs.
Identifiers: ClinVar variation 4808114 (VCV004808114.1).

ClinVar aggregate classification (germline): Pathogenic (1 of 4 stars; one submission).

Conditions:
Charcot-Marie-Tooth disease type 4. Also called: Charcot-Marie-Tooth, Type 4; Charcot-Marie-Tooth disease, type IV. Identifiers: Orphanet 64749, MedGen C4082197, MONDO:0018995.

Submission:

Labcorp Genetics (formerly Invitae), Labcorp
Classification: Pathogenic for Charcot-Marie-Tooth disease type 4. Last evaluated: 2025-12-19. Review status: criteria provided, single submitter. Criteria: Invitae Variant Classification Sherloc (09022015). Collection method: clinical testing. Allele origin: germline.
Comment: This sequence change creates a premature translational stop signal (p.Pro636Leufs*2) in the SBF2 gene. It is expected to result in an absent or disrupted protein product. Loss-of-function variants in SBF2 are known to be pathogenic (PMID: 12687498, 25873783). This variant is not present in population databases (gnomAD no frequency). This variant has not been reported in the literature in individuals affected with SBF2-related conditions. For these reasons, this variant has been classified as Pathogenic.

Literature cited by the submitters: PubMed 12687498; PubMed 25873783.